The following is an entry in ClinVar:

ClinVar aggregate classification (germline): Uncertain significance (1 of 4 stars; one submission).

Conditions:
Early-infantile DEE. Also called: Ohtahara syndrome; Early infantile epileptic encephalopathy with suppression bursts; Early infantile epileptic encephalopathy. Identifiers: Orphanet 1934, MedGen C0393706, MONDO:0800491.

Allele frequency attached by ClinVar (database versions not stated): TOPMed 0.00007; 1000 Genomes Project 30x 0.00031; 1000 Genomes Project 0.00040.

Submission:

Labcorp Genetics (formerly Invitae), Labcorp
Classification: Uncertain significance for Early-infantile DEE. Last evaluated: 2025-04-17. Review status: criteria provided, single submitter. Criteria: Invitae Variant Classification Sherloc (09022015). Collection method: clinical testing. Allele origin: germline.
Comment: This sequence change replaces arginine, which is basic and polar, with serine, which is neutral and polar, at codon 648 of the ARHGEF15 protein (p.Arg648Ser). This variant is present in population databases (rs201714597, gnomAD 0.03%). This variant has not been reported in the literature in individuals affected with ARHGEF15-related conditions. ClinVar contains an entry for this variant (Variation ID: 1042507). An algorithm developed to predict the effect of missense changes on protein structure and function (PolyPhen-2) suggests that this variant is likely to be tolerated. In summary, the available evidence is currently insufficient to determine the role of this variant in disease. Therefore, it has been classified as a Variant of Uncertain Significance.

NM_173728.4(ARHGEF15):c.1944G>T (p.Arg648Ser)

Gene: ARHGEF15 (Rho guanine nucleotide exchange factor 15; plus strand). Cytogenetic location: 17p13.1.
Variant type: single nucleotide variant.
Coding change: c.1944G>T on transcript NM_173728.4 (MANE Select); coding-DNA position 1944, G replaced by T.
Protein change: p.Arg648Ser; replaces arginine 648 with serine.
Molecular consequence: missense variant.
Genome position (GRCh38, 1-based): chr17:8,318,821, G>T. VCF-style: chr17-8318821-G-T. GRCh37 (hg19) VCF-style: chr17-8222139-G-T.
Other names: c.1944G>T, p.Arg648Ser (NM_025014.2); short protein forms R648S.
Identifiers: ClinVar variation 1042507 (VCV001042507.10), dbSNP rs201714597, ClinGen allele CA8375362.